The following is an entry in ClinVar:

ClinVar aggregate classification (germline): Likely benign. Review status: criteria provided, multiple submitters, no conflicts (2 of 4 stars). 2 submissions from 2 submitters: Likely benign (2). Last evaluated 2025-12-21.

Conditions:
Charcot-Marie-Tooth disease type 4. Also called: Charcot-Marie-Tooth, Type 4; Charcot-Marie-Tooth disease, type IV. Identifiers: Orphanet 64749, MedGen C4082197, MONDO:0018995.
SBF2-related disorder. Also called: SBF2-related condition.

Allele frequency attached by ClinVar (database versions not stated): ExAC 0.00001; gnomAD 0.00001; ESP Exome Variant Server 0.00008.
gnomAD v4.1: 32 of 1,614,078 alleles (0.002%); highest among the groups gnomAD compares: Non-Finnish European, 0.0027%; no homozygotes.

Submissions (2):

Labcorp Genetics (formerly Invitae), Labcorp
Classification: Likely benign for Charcot-Marie-Tooth disease type 4. Last evaluated: 2025-12-21. Review status: criteria provided, single submitter. Criteria: Invitae Variant Classification Sherloc (09022015). Collection method: clinical testing. Allele origin: germline.

PreventionGenetics, part of Exact Sciences
Classification: Likely benign for SBF2-related condition. Last evaluated: 2025-10-07. Review status: criteria provided, single submitter. Criteria: ACMG Guidelines, 2015. Collection method: clinical testing. Allele origin: germline.
Comment: This variant is classified as likely benign based on ACMG/AMP sequence variant interpretation guidelines (Richards et al. 2015 PMID: 25741868, with internal and published modifications).

NM_030962.4(SBF2):c.2205A>G (p.Leu735=)

Genes: SBF2 (SET binding factor 2; minus strand), LOC101928008 (uncharacterized LOC101928008; plus strand). Cytogenetic location: 11p15.4.
Variant type: single nucleotide variant.
Coding change: c.2205A>G on transcript NM_030962.4 (MANE Select); coding-DNA position 2205, A replaced by G.
Protein change: p.Leu735=; no amino-acid change (leucine 735 retained).
Molecular consequence: synonymous variant.
Genome position (GRCh38, 1-based): chr11:9,856,616, T>C on the plus strand (A>G on the coding strand, the complement: SBF2 is on the minus strand). VCF-style: chr11-9856616-T-C. GRCh37 (hg19) VCF-style: chr11-9878163-T-C.
Other names: c.2205A>G, p.Leu735= (NM_001386339.1); c.2076A>G, p.Leu692= (NM_001386342.1).
Identifiers: ClinVar variation 2084862 (VCV002084862.5), dbSNP rs376816562, ClinGen allele CA5881610.